The following is an entry in ClinVar:

NM_000535.7(PMS2):c.1863_1864insTTTTTTTTTTTTTTTTTTTTNNNNNNNNNNATCTCCTGACCTCGTGATCCGCCCGCCTCGGCCTCCCAAAGTTCTGGGATTACAGGCGTTAGCCACCGCGCCCGGCGCCCCTGGACTTTTCT (p.Met622delinsPhePhePhePhePhePheXaaXaaXaaXaaIleSerTer)

Gene: PMS2 (PMS1 homolog 2, mismatch repair system component; minus strand). Cytogenetic location: 7p22.1.
Variant type: Insertion.
Coding change: c.1863_1864insTTTTTTTTTTTTTTTTTTTTNNNNNNNNNNATCTCCTGACCTCGTGATCCGCCCGCCTCGGCCTCCCAAAGTTCTGGGATTACAGGCGTTAGCCACCGCGCCCGGCGCCCCTGGACTTTTCT on transcript NM_000535.7 (MANE Select); coding-DNA positions 1863 to 1864, TTTTTTTTTTTTTTTTTTTTNNNNNNNNNNATCTCCTGACCTCGTGATCCGCCCGCCTCGGCCTCCCAAAGTTCTGGGATTACAGGCGTTAGCCACCGCGCCCGGCGCCCCTGGACTTTTCT inserted.
Protein change: p.Met622delinsPhePhePhePhePhePheXaaXaaXaaXaaIleSerTer.
Molecular consequence: nonsense. On other transcripts: non-coding transcript variant (1), intron variant (1).
Genome position: GRCh38: chr7:5,986,917-5,986,918. GRCh37 (hg19): chr7:6,026,548-6,026,549.
Other names: c.1458_1459insTTTTTTTTTTTTTTTTTTTTNNNNNNNNNNATCTCCTGACCTCGTGATCCGCCCGCCTCGGCCTCCCAAAGTTCTGGGATTACAGGCGTTAGCCACCGCGCCCGGCGCCCCTGGACTTTTCT, p.Met487delinsPhePhePhePhePhePheXaaXaaXaaXaaIleSerTer (NM_001322003.2, NM_001322004.2, NM_001322005.2 and 16 more transcripts); c.1707_1708insTTTTTTTTTTTTTTTTTTTTNNNNNNNNNNATCTCCTGACCTCGTGATCCGCCCGCCTCGGCCTCCCAAAGTTCTGGGATTACAGGCGTTAGCCACCGCGCCCGGCGCCCCTGGACTTTTCT, p.Met570delinsPhePhePhePhePhePheXaaXaaXaaXaaIleSerTer (NM_001322006.2, NM_001406870.1); c.1545_1546insTTTTTTTTTTTTTTTTTTTTNNNNNNNNNNATCTCCTGACCTCGTGATCCGCCCGCCTCGGCCTCCCAAAGTTCTGGGATTACAGGCGTTAGCCACCGCGCCCGGCGCCCCTGGACTTTTCT, p.Met516delinsPhePhePhePhePhePheXaaXaaXaaXaaIleSerTer (NM_001322007.2, NM_001322008.2, NM_001406876.1 and 2 more transcripts); c.1302_1303insTTTTTTTTTTTTTTTTTTTTNNNNNNNNNNATCTCCTGACCTCGTGATCCGCCCGCCTCGGCCTCCCAAAGTTCTGGGATTACAGGCGTTAGCCACCGCGCCCGGCGCCCCTGGACTTTTCT, p.Met435delinsPhePhePhePhePhePheXaaXaaXaaXaaIleSerTer (NM_001322010.2, NM_001406906.1, NM_001406907.1); c.930_931insTTTTTTTTTTTTTTTTTTTTNNNNNNNNNNATCTCCTGACCTCGTGATCCGCCCGCCTCGGCCTCCCAAAGTTCTGGGATTACAGGCGTTAGCCACCGCGCCCGGCGCCCCTGGACTTTTCT, p.Met311delinsPhePhePhePhePhePheXaaXaaXaaXaaIleSerTer (NM_001322011.2, NM_001322012.2); c.1290_1291insTTTTTTTTTTTTTTTTTTTTNNNNNNNNNNATCTCCTGACCTCGTGATCCGCCCGCCTCGGCCTCCCAAAGTTCTGGGATTACAGGCGTTAGCCACCGCGCCCGGCGCCCCTGGACTTTTCT, p.Met431delinsPhePhePhePhePhePheXaaXaaXaaXaaIleSerTer (NM_001322013.2, NM_001406909.1); c.1863_1864insTTTTTTTTTTTTTTTTTTTTNNNNNNNNNNATCTCCTGACCTCGTGATCCGCCCGCCTCGGCCTCCCAAAGTTCTGGGATTACAGGCGTTAGCCACCGCGCCCGGCGCCCCTGGACTTTTCT, p.Met622delinsPhePhePhePhePhePheXaaXaaXaaXaaIleSerTer (NM_001322014.2, NM_001406871.1, NM_001406872.1); c.1554_1555insTTTTTTTTTTTTTTTTTTTTNNNNNNNNNNATCTCCTGACCTCGTGATCCGCCCGCCTCGGCCTCCCAAAGTTCTGGGATTACAGGCGTTAGCCACCGCGCCCGGCGCCCCTGGACTTTTCT, p.Met519delinsPhePhePhePhePhePheXaaXaaXaaXaaIleSerTer (NM_001322015.2, NM_001406875.1, NM_001406877.1 and 5 more transcripts); and 13 more.
Identifiers: ClinVar variation 4734945 (VCV004734945.1).

ClinVar aggregate classification (germline): Pathogenic (1 of 4 stars; one submission).

Conditions:
Hereditary nonpolyposis colorectal neoplasms. Identifiers: MedGen C0009405, MeSH D003123.

Submission:

Labcorp Genetics (formerly Invitae), Labcorp
Classification: Pathogenic for Hereditary nonpolyposis colorectal neoplasms. Last evaluated: 2026-01-08. Review status: criteria provided, single submitter. Criteria: Invitae Variant Classification Sherloc (09022015). Collection method: clinical testing. Allele origin: germline.
Comment: This sequence change inserts a large fragment of DNA, likely a transposable element, in exon 11 of the PMS2 gene (c.1863_1864ins?), causing a frameshift at codon 622 (p.Met622fs). The exact size and sequence of the insertion cannot be determined by the current assay. However, the insertion is expected to result in an absent or disrupted protein product. This variant is not present in population databases (gnomAD no frequency). This variant has not been reported in the literature in individuals affected with PMS2-related conditions. Retrotransposon insertions including LINE1 (L1), Alu, and SVA (SINE-VNTR-Alu) have been reported to be disease-causing through disruption of either a coding region or splice site (PMID: 19763152, 20307669, 22406018) and loss-of-function variants in PMS2 are known to be pathogenic (PMID: 21376568, 24362816). For these reasons, this variant has been classified as Pathogenic.

Literature cited by the submitters: PubMed 19763152; PubMed 20307669; PubMed 22406018; PubMed 21376568; PubMed 24362816.